The following is an entry in ClinVar:

NM_000492.4(CFTR):c.3601G>T (p.Asp1201Tyr)

Genes: CFTR (CF transmembrane conductance regulator; plus strand), CFTR-AS2 (CFTR antisense RNA 2; minus strand). Cytogenetic location: 7q31.2.
Variant type: single nucleotide variant.
Coding change: c.3601G>T on transcript NM_000492.4 (MANE Select); coding-DNA position 3601, G replaced by T.
Protein change: p.Asp1201Tyr; replaces aspartic acid 1201 with tyrosine.
Molecular consequence: missense variant.
Genome position (GRCh38, 1-based): chr7:117,627,654, G>T. VCF-style: chr7-117627654-G-T. GRCh37 (hg19) VCF-style: chr7-117267708-G-T.
Other names: short protein forms D1201Y.
Identifiers: ClinVar variation 632756 (VCV000632756.3), dbSNP rs1182767623, ClinGen allele CA368997126.

ClinVar aggregate classification (germline): Uncertain significance. Review status: criteria provided, multiple submitters, no conflicts (2 of 4 stars). 3 submissions from 3 submitters: Uncertain significance (2). 1 of the submissions does not count toward it. Last evaluated 2025-11-12.

Conditions:
CFTR-related disorder (CFTR-RD). Also called: CFTR-related condition; CFTR-related disorders. Identifiers: MedGen C5924204, MONDO:7770004.
Cystic fibrosis (CF). Also called: MUCOVISCIDOSIS. Identifiers: Orphanet 586, MedGen C0010674, MONDO:0009061, OMIM 219700. Disease mechanism: loss of function.

Allele frequency attached by ClinVar (database versions not stated): gnomAD exomes below 0.00001.
gnomAD v4.1: 1 of 1,613,468 alleles (0.000062%); highest among the groups gnomAD compares: Admixed American, 0.0017%; no homozygotes.

Submissions (3):

Ambry Genetics
Classification: Uncertain significance for Cystic fibrosis. Last evaluated: 2025-11-12. Review status: criteria provided, single submitter. Criteria: Ambry Variant Classification Scheme 2023. Collection method: clinical testing. Allele origin: germline.
Comment: The p.D1201Y variant (also known as c.3601G>T), located in coding exon 22 of the CFTR gene, results from a G to T substitution at nucleotide position 3601. The aspartic acid at codon 1201 is replaced by tyrosine, an amino acid with highly dissimilar properties. This amino acid position is not well conserved in available vertebrate species. In addition, the in silico prediction for this alteration is inconclusive. Based on the available evidence, the clinical significance of this variant remains unclear.

Women's Health and Genetics/Laboratory Corporation of America, LabCorp
Classification: Uncertain significance. Last evaluated: 2018-11-28. Review status: criteria provided, single submitter. Criteria: LabCorp Variant Classification Summary - May 2015. Collection method: clinical testing. Allele origin: germline.
Comment: Variant summary: CFTR c.3601G>T (p.Asp1201Tyr) results in a non-conservative amino acid change in the encoded protein sequence. Four of five in-silico tools predict a damaging effect of the variant on protein function. The variant allele was found at a frequency of 4.1e-06 in 245136 control chromosomes (gnomAD). The available data on variant occurrences in the general population are insufficient to allow any conclusion about variant significance. To our knowledge, no occurrence of c.3601G>T in individuals with Chronic Pancreatitis Risk and no experimental evidence demonstrating its impact on protein function have been reported. No clinical diagnostic laboratories have submitted clinical-significance assessments for this variant to ClinVar. Based on the evidence outlined above, the variant was classified as uncertain significance.

Natera, Inc.
Classification: Uncertain significance for CFTR-related disorders. Last evaluated: 2020-08-25. Review status: no assertion criteria provided. Collection method: clinical testing. Allele origin: germline. Not counted in ClinVar's aggregate classification.